The following is an entry in ClinVar:

ClinVar aggregate classification (germline): Pathogenic (1 of 4 stars; one submission).

Conditions:
D-2-hydroxyglutaric aciduria 1 (D2HGA1). Identifiers: Orphanet 79315, MedGen C3152055, MONDO:0024554, OMIM 600721.

Submission:

Labcorp Genetics (formerly Invitae), Labcorp
Classification: Pathogenic for D-2-hydroxyglutaric aciduria 1. Last evaluated: 2025-08-21. Review status: criteria provided, single submitter. Criteria: Invitae Variant Classification Sherloc (09022015). Collection method: clinical testing. Allele origin: germline.
Comment: This sequence change creates a premature translational stop signal (p.Asn132Glnfs*13) in the D2HGDH gene. It is expected to result in an absent or disrupted protein product. Loss-of-function variants in D2HGDH are known to be pathogenic (PMID: 16081310, 20020533, 21384162). The frequency data for this variant in the population databases is considered unreliable, as metrics indicate poor data quality at this position in the gnomAD database. This premature translational stop signal has been observed in individual(s) with D-2-hydroxyglutaric aciduria (PMID: 38825343). ClinVar contains an entry for this variant (Variation ID: 1954804). For these reasons, this variant has been classified as Pathogenic.

Literature cited by the submitters: PubMed 16081310; PubMed 20020533; PubMed 21384162; PubMed 38825343.

NM_152783.5(D2HGDH):c.392dup (p.Asn132fs)

Gene: D2HGDH (D-2-hydroxyglutarate dehydrogenase; plus strand). Cytogenetic location: 2q37.3.
Variant type: Duplication.
Coding change: c.392dup on transcript NM_152783.5 (MANE Select); coding-DNA position 392, one base duplicated (G; older notation c.392dupG).
Protein change: p.Asn132fs; shifts the reading frame from asparagine 132.
Molecular consequence: frameshift variant. On other transcripts: 5 prime UTR variant (2), non-coding transcript variant (1).
Genome position (GRCh38, 1-based): chr2:241,742,476, G duplicated; the last of 6 consecutive G bases (chr2:241,742,471-241,742,476); duplicating any one gives the same sequence. VCF-style (leftmost placement, unchanged base first): chr2-241742470-A-AG. GRCh37 (hg19) VCF-style: chr2-242681885-A-AG.
Other names: c.-11dup (NM_001287249.2); c.-153dup (NM_001352824.2); short protein forms N132fs.
Identifiers: ClinVar variation 1954804 (VCV001954804.5), dbSNP rs1158737546, ClinGen allele CA540589952.